The following is an entry in ClinVar:

ClinVar aggregate classification (germline): Uncertain significance (1 of 4 stars; one submission).

gnomAD v4.1: 1 of 1,537,422 alleles (0.000065%); highest among the groups gnomAD compares: African/African-American, 0.0014%; no homozygotes.

Submission:

Labcorp Genetics (formerly Invitae), Labcorp
Classification: Uncertain significance. Last evaluated: 2025-12-25. Review status: criteria provided, single submitter. Criteria: Invitae Variant Classification Sherloc (09022015). Collection method: clinical testing. Allele origin: germline.
Comment: This sequence change replaces alanine, which is neutral and non-polar, with valine, which is neutral and non-polar, at codon 232 of the DGKZ protein (p.Ala232Val). This variant is not present in population databases (gnomAD no frequency). This variant has not been reported in the literature in individuals affected with DGKZ-related conditions. An algorithm developed to predict the effect of missense changes on protein structure and function (PolyPhen-2) suggests that this variant is likely to be tolerated. In summary, the available evidence is currently insufficient to determine the role of this variant in disease. Therefore, it has been classified as a Variant of Uncertain Significance.

NM_001199267.2(DGKZ):c.162-340C>T

Gene: DGKZ (diacylglycerol kinase zeta; plus strand). Cytogenetic location: 11p11.2.
Variant type: single nucleotide variant.
Coding change: c.162-340C>T on transcript NM_001199267.2 (MANE Select); 340 bases into the intron before coding-DNA position 162, C replaced by T.
Molecular consequence: intron variant. On other transcripts: missense variant (1).
Genome position (GRCh38, 1-based): chr11:46,366,951, C>T. VCF-style: chr11-46366951-C-T. GRCh37 (hg19) VCF-style: chr11-46388501-C-T.
Other names: c.695C>T, p.Ala232Val (NM_001105540.2); c.213-340C>T (NM_201532.3); c.177-340C>T (NM_201533.3); c.162-340C>T (NM_001199266.2, NM_003646.4, NM_001199268.2); short protein forms A232V.
Identifiers: ClinVar variation 4691263 (VCV004691263.1).